The following is an entry in ClinVar:

NM_000169.3(GLA):c.1061T>A (p.Ile354Lys)

Genes: GLA (galactosidase alpha; minus strand), RPL36A-HNRNPH2 (RPL36A-HNRNPH2 readthrough; plus strand). Cytogenetic location: Xq22.1.
Variant type: single nucleotide variant.
Coding change: c.1061T>A on transcript NM_000169.3 (MANE Select); coding-DNA position 1061, T replaced by A.
Protein change: p.Ile354Lys; replaces isoleucine 354 with lysine.
Molecular consequence: missense variant. On other transcripts: non-coding transcript variant (3), intron variant (2).
Genome position (GRCh38, 1-based): chrX:101,398,038, A>T on the plus strand (T>A on the coding strand, the complement: GLA is on the minus strand). VCF-style: chrX-101398038-A-T. GRCh37 (hg19) VCF-style: chrX-100653026-A-T.
Other names: c.1184T>A, p.Ile395Lys (NM_001406747.1); c.300+2581A>T (NM_001199973.2); c.177+6216A>T (NM_001199974.2); short protein forms I354K, I395K.
Identifiers: ClinVar variation 992454 (VCV000992454.7), dbSNP rs1928135337, ClinGen allele CA413920965.

ClinVar aggregate classification (germline): Pathogenic/Likely pathogenic. Review status: criteria provided, multiple submitters, no conflicts (2 of 4 stars). 4 submissions from 4 submitters: Pathogenic (2); Likely pathogenic (1). 1 of the submissions does not count toward it. Last evaluated 2026-09-08.

Conditions:
Fabry disease. Also called: ALPHA-GALACTOSIDASE A DEFICIENCY; CERAMIDE TRIHEXOSIDASE DEFICIENCY; GLA DEFICIENCY; HEREDITARY DYSTOPIC LIPIDOSIS; Angiokeratoma corporis diffusum; Fabry's disease. Identifiers: Orphanet 324, MedGen C0002986, MONDO:0010526, OMIM 301500, HP:0001071. Disease mechanism: loss of function, Fabry disease is due to inactivating mutations in the X-linked GLA gene resulting in deficiency of the enzyme Alpha Galactosidase-A..

Submissions (4):

Genomenon, Inc
Classification: Likely pathogenic for Fabry disease. Last evaluated: 2026-09-08. Review status: criteria provided, single submitter. Criteria: Genomenon Sequence Variant Interpretation Standards - Updated. Collection method: curation. Allele origin: germline. Affected: yes.
Comment: GLA p.Ile354Lys (c.1061T>A) is a missense variant that changes the amino acid at codon 354 from Isoleucine to Lysine. This variant has been observed in at least one proband with clinical features consistent with Fabry disease (PMID:28717668). The variant was found to segregate with disease in at least one affected family (PMID:28717668). At least one functional study has demonstrated a substantial alteration in protein function relative to the wild-type (PMID:27657681). It is absent or not present at a significant frequency in gnomAD. In conclusion, we classify GLA p.Ile354Lys (c.1061T>A) as a likely pathogenic variant.

All of Us Research Program, National Institutes of Health
Classification: Pathogenic for Fabry disease. Last evaluated: 2023-04-10. Review status: criteria provided, single submitter. Criteria: ACMG Guidelines, 2015. Collection method: clinical testing. Allele origin: germline. Inheritance: X-linked inheritance. Observed: 1 variant allele, 1 heterozygote.
Comment: This missense variant replaces isoleucine with lysine at codon 354 of the GLA protein. Computational prediction is inconclusive regarding the impact of this variant on protein structure and function (internally defined REVEL score threshold 0.5 < inconclusive < 0.7, PMID: 27666373). To our knowledge, functional studies have not been reported for this variant. This variant has been reported in over ten male and female individuals affected with Fabry disease (PMID: 15086478, 18784903, 25666440, 25949379, 25965380, 28672034, 28717668, 30386727), and in three asymptomatic female individuals (PMID: 18784903). It has been shown that this variant segregates with disease in 4 affected males and 9 symptomatic females in one family (PMID: 28717668). Leukocyte or serum GLA enzyme activities were reported to be barely detectable in affected male carriers (PMID: 18057066, 18784903, 28717668). This variant has not been identified in the general population by the Genome Aggregation Database (gnomAD). Based on the available evidence, this variant is classified as Pathogenic.

This study involves interpretation of variants in research participants for the purpose of population health screening. Participant phenotype was not available at the time of variant classification. Additional details can be found in publication PMID: 35346344, PMCID: PMC8962531

Color Diagnostics, LLC DBA Color Health
Classification: Pathogenic for Fabry disease. Last evaluated: 2023-02-09. Review status: criteria provided, single submitter. Criteria: ACMG Guidelines, 2015. Collection method: clinical testing. Allele origin: germline.
Comment: This missense variant replaces isoleucine with lysine at codon 354 of the GLA protein. Computational prediction is inconclusive regarding the impact of this variant on protein structure and function (internally defined REVEL score threshold 0.5 < inconclusive < 0.7, PMID: 27666373). To our knowledge, functional studies have not been reported for this variant. This variant has been reported in over ten male and female individuals affected with Fabry disease (PMID: 15086478, 18784903, 25666440, 25949379, 25965380, 28672034, 28717668, 30386727), and in three asymptomatic female individuals (PMID: 18784903). It has been shown that this variant segregates with disease in 4 affected males and 9 symptomatic females in one family (PMID: 28717668). Leukocyte or serum GLA enzyme activities were reported to be barely detectable in affected male carriers (PMID: 18057066, 18784903, 28717668). This variant has not been identified in the general population by the Genome Aggregation Database (gnomAD). Based on the available evidence, this variant is classified as Pathogenic.

Bioscientia Institut fuer Medizinische Diagnostik GmbH, Sonic Healthcare
Classification: Pathogenic for Fabry disease. Last evaluated: 2020-03-24. Review status: no assertion criteria provided. Collection method: clinical testing. Allele origin: germline. Affected: yes. Not counted in ClinVar's aggregate classification.

Literature cited by the submitters: PubMed 28717668 (cited by 3 submitters); PubMed 27657681 (cited by Genomenon, Inc); PubMed 15086478 (cited by All of Us Research Program, National Institutes of Health and Color Diagnostics, LLC DBA Color Health); PubMed 18057066 (cited by All of Us Research Program, National Institutes of Health and Color Diagnostics, LLC DBA Color Health); PubMed 18784903 (cited by All of Us Research Program, National Institutes of Health and Color Diagnostics, LLC DBA Color Health); PubMed 25666440 (cited by All of Us Research Program, National Institutes of Health and Color Diagnostics, LLC DBA Color Health); PubMed 25949379 (cited by All of Us Research Program, National Institutes of Health and Color Diagnostics, LLC DBA Color Health); PubMed 25965380 (cited by All of Us Research Program, National Institutes of Health and Color Diagnostics, LLC DBA Color Health); PubMed 28672034 (cited by All of Us Research Program, National Institutes of Health and Color Diagnostics, LLC DBA Color Health); PubMed 30386727 (cited by All of Us Research Program, National Institutes of Health and Color Diagnostics, LLC DBA Color Health).